The following is an entry in ClinVar:

ClinVar aggregate classification (germline): Uncertain significance (1 of 4 stars; one submission).

Conditions:
Primary ciliary dyskinesia. Also called: Ciliary dyskinesia. Identifiers: Orphanet 244, MedGen C0008780, MONDO:0016575, HP:0012265.

Allele frequency attached by ClinVar (database versions not stated): gnomAD exomes below 0.00001.
gnomAD v4.1: 6 of 1,614,118 alleles (0.00037%); highest among the groups gnomAD compares: Non-Finnish European, 0.00051%; no homozygotes.

Submission:

Ambry Genetics
Classification: Uncertain significance for Primary ciliary dyskinesia. Last evaluated: 2022-08-29. Review status: criteria provided, single submitter. Criteria: Ambry Variant Classification Scheme 2023. Collection method: clinical testing. Allele origin: germline.
Comment: The p.L234I variant (also known as c.700C>A), located in coding exon 6 of the DNAH5 gene, results from a C to A substitution at nucleotide position 700. The leucine at codon 234 is replaced by isoleucine, an amino acid with highly similar properties. This amino acid position is conserved. In addition, this alteration is predicted to be tolerated by in silico analysis. Since supporting evidence is limited at this time, the clinical significance of this alteration remains unclear.

NM_001369.3(DNAH5):c.700C>A (p.Leu234Ile)

Gene: DNAH5 (dynein axonemal heavy chain 5; minus strand). Cytogenetic location: 5p15.2.
Variant type: single nucleotide variant.
Coding change: c.700C>A on transcript NM_001369.3 (MANE Select); coding-DNA position 700, C replaced by A.
Protein change: p.Leu234Ile; replaces leucine 234 with isoleucine.
Molecular consequence: missense variant.
Genome position (GRCh38, 1-based): chr5:13,920,578, G>T on the plus strand (C>A on the coding strand, the complement: DNAH5 is on the minus strand). VCF-style: chr5-13920578-G-T. GRCh37 (hg19) VCF-style: chr5-13920687-G-T.
Other names: short protein forms L234I.
Identifiers: ClinVar variation 1756663 (VCV001756663.2), dbSNP rs199974463, ClinGen allele CA359220768.